The following is an entry in ClinVar:

NM_003242.6(TGFBR2):c.1300A>T (p.Met434Leu)

Gene: TGFBR2 (transforming growth factor beta receptor 2; plus strand). Cytogenetic location: 3p24.1.
Variant type: single nucleotide variant.
Coding change: c.1300A>T on transcript NM_003242.6 (MANE Select); coding-DNA position 1300, A replaced by T.
Protein change: p.Met434Leu; replaces methionine 434 with leucine.
Molecular consequence: missense variant. On other transcripts: intron variant (1).
Genome position (GRCh38, 1-based): chr3:30,674,150, A>T. VCF-style: chr3-30674150-A-T. GRCh37 (hg19) VCF-style: chr3-30715642-A-T.
Other names: c.1375A>T, p.Met459Leu (NM_001024847.3); c.1483A>T, p.Met495Leu (NM_001407126.1); c.1408A>T, p.Met470Leu (NM_001407127.1); c.1327A>T, p.Met443Leu (NM_001407128.1); c.1303A>T, p.Met435Leu (NM_001407129.1); c.1300A>T, p.Met434Leu (NM_001407130.1); c.1195A>T, p.Met399Leu (NM_001407132.1, NM_001407133.1, NM_001407134.1 and 2 more transcripts); c.1015A>T, p.Met339Leu (NM_001407137.1); and 2 more; short protein forms M314L, M339L, M459L, M443L, M470L, M399L, M434L, M435L.
Identifiers: ClinVar variation 2774582 (VCV002774582.2), dbSNP rs1355658397, ClinGen allele CA351808960.
Genomic context (GRCh38, chr3:30,674,150, plus strand): 5'-CTGTTTTTGCTATAGGTGGGAACTGCAAGATACATGGCTCCAGAAGTCCTAGAATCCAGG[A>T]TGAATTTGGAGAATGTTGAGTCCTTCAAGCAGACCGATGTCTACTCCATGGCTCTGGTGC-3'
Protein context (NP_003233.4, residues 424-444): YMAPEVLESR[Met434Leu]NLENVESFKQ

ClinVar aggregate classification (germline): Uncertain significance (1 of 4 stars; one submission).

Conditions:
Familial thoracic aortic aneurysm and aortic dissection (TAAD). Also called: Thoracic aortic aneurysms and dissections. Identifiers: Orphanet 91387, MedGen C4707243, MONDO:0019625.

Submission:

Color Diagnostics, LLC DBA Color Health
Classification: Uncertain significance for Familial thoracic aortic aneurysm and aortic dissection. Last evaluated: 2024-03-07. Review status: criteria provided, single submitter. Criteria: ACMG Guidelines, 2015. Collection method: clinical testing. Allele origin: germline.
Comment: This missense variant replaces methionine with leucine at codon 434 of the TGFBR2 protein. Computational prediction suggests that this variant may not impact protein structure and function (internally defined REVEL score threshold <= 0.5, PMID: 27666373). To our knowledge, functional studies have not been reported for this variant. This variant has not been reported in individuals affected with cardiovascular disorders in the literature. This variant has not been identified in the general population by the Genome Aggregation Database (gnomAD). The available evidence is insufficient to determine the role of this variant in disease conclusively. Therefore, this variant is classified as a Variant of Uncertain Significance.